The following is an entry in ClinVar:

ClinVar aggregate classification (germline): Uncertain significance (1 of 4 stars; one submission).

Conditions:
Congenital muscular dystrophy due to integrin alpha-7 deficiency. Also called: MYOPATHY, CONGENITAL, DUE TO INTEGRIN ALPHA-7 DEFICIENCY; Congenital muscular dystrophy with integrin alpha-7 deficiency; Muscular dystrophy, congenital, due to ITGA7 deficiency. Identifiers: Orphanet 34520, MedGen C2750786, MONDO:0013177, OMIM 613204.

Submission:

Labcorp Genetics (formerly Invitae), Labcorp
Classification: Uncertain significance for Congenital muscular dystrophy due to integrin alpha-7 deficiency. Last evaluated: 2023-03-17. Review status: criteria provided, single submitter. Criteria: Invitae Variant Classification Sherloc (09022015). Collection method: clinical testing. Allele origin: germline.
Comment: ClinVar contains an entry for this variant (Variation ID: 1474605). Advanced modeling of protein sequence and biophysical properties (such as structural, functional, and spatial information, amino acid conservation, physicochemical variation, residue mobility, and thermodynamic stability) performed at Invitae indicates that this missense variant is not expected to disrupt ITGA7 protein function. In summary, the available evidence is currently insufficient to determine the role of this variant in disease. Therefore, it has been classified as a Variant of Uncertain Significance. This variant has not been reported in the literature in individuals affected with ITGA7-related conditions. This sequence change replaces arginine, which is basic and polar, with leucine, which is neutral and non-polar, at codon 999 of the ITGA7 protein (p.Arg999Leu). This variant is not present in population databases (gnomAD no frequency).

NM_002206.3(ITGA7):c.2996G>T (p.Arg999Leu)

Gene: ITGA7 (integrin subunit alpha 7; minus strand). Cytogenetic location: 12q13.2.
Variant type: single nucleotide variant.
Coding change: c.2996G>T on transcript NM_002206.3 (MANE Select); coding-DNA position 2996, G replaced by T.
Protein change: p.Arg999Leu; replaces arginine 999 with leucine.
Molecular consequence: missense variant.
Genome position (GRCh38, 1-based): chr12:55,688,263, C>A on the plus strand (G>T on the coding strand, the complement: ITGA7 is on the minus strand). VCF-style: chr12-55688263-C-A. GRCh37 (hg19) VCF-style: chr12-56082047-C-A.
Other names: c.2657G>T, p.Arg886Leu (NM_001414035.1); c.2990G>T, p.Arg997Leu (NM_001414029.1); c.2921G>T, p.Arg974Leu (NM_001414030.1); c.2909G>T, p.Arg970Leu (NM_001414031.1); c.2876G>T, p.Arg959Leu (NM_001414032.1); c.2813G>T, p.Arg938Leu (NM_001414033.1); c.2771G>T, p.Arg924Leu (NM_001414034.1); c.3128G>T, p.Arg1043Leu (NM_001410977.1); and 5 more; short protein forms R551L, R993L, R999L, R1003L, R890L, R906L, R1043L, R924L.
Identifiers: ClinVar variation 1474605 (VCV001474605.8), dbSNP rs372579814, ClinGen allele CA385180833.
Genomic context (GRCh38, chr12:55,688,263, plus strand): 5'-ACTGTGGAGGCATCTCGGAGCATCAAGTTCTTTATGGAGGACTTCACTGTGATGTTGGCC[C>A]GGACAATCACTTCCAGGGACTTCACAGCTGAGTACTCCTAAGGGAACAGGGAAGGAGACC-3'
Protein context (NP_002197.2, residues 989-1009): SAVKSLEVIV[Arg999Leu]ANITVKSSIK